The following is an entry in ClinVar:

NM_017837.4(PIGV):c.1339C>G (p.Gln447Glu)

Gene: PIGV (phosphatidylinositol glycan anchor biosynthesis class V; plus strand). Cytogenetic location: 1p36.11.
Variant type: single nucleotide variant.
Coding change: c.1339C>G on transcript NM_017837.4 (MANE Select); coding-DNA position 1339, C replaced by G.
Protein change: p.Gln447Glu; replaces glutamine 447 with glutamic acid.
Molecular consequence: missense variant. On other transcripts: non-coding transcript variant (2).
Genome position (GRCh38, 1-based): chr1:26,797,701, C>G. VCF-style: chr1-26797701-C-G. GRCh37 (hg19) VCF-style: chr1-27124192-C-G.
Other names: c.1339C>G, p.Gln447Glu (NM_001202554.2, NM_001374478.1, NM_001374480.1 and 2 more transcripts); c.958C>G, p.Gln320Glu (NM_001374483.1); c.712C>G, p.Gln238Glu (NM_001374484.1, NM_001374485.1); c.217C>G, p.Gln73Glu (NM_001374486.1); c.1339C>G (NM_017837.3); short protein forms Q320E, Q73E, Q238E, Q447E.
Identifiers: ClinVar variation 1933952 (VCV001933952.4), dbSNP rs966434689, ClinGen allele CA19836916.

ClinVar aggregate classification (germline): Uncertain significance. Review status: criteria provided, multiple submitters, no conflicts (2 of 4 stars). 2 submissions from 2 submitters: Uncertain significance (2). Last evaluated 2025-11-10.

Conditions:
Inborn genetic diseases. Identifiers: MedGen C0950123, MeSH D030342.

Allele frequency attached by ClinVar (database versions not stated): gnomAD exomes below 0.00001; gnomAD 0.00003.
gnomAD v4.1: 8 of 1,614,036 alleles (0.0005%); highest among the groups gnomAD compares: African/African-American, 0.008%; no homozygotes.

Submissions (2):

Labcorp Genetics (formerly Invitae), Labcorp
Classification: Uncertain significance. Last evaluated: 2025-11-10. Review status: criteria provided, single submitter. Criteria: Invitae Variant Classification Sherloc (09022015). Collection method: clinical testing. Allele origin: germline.
Comment: This sequence change replaces glutamine, which is neutral and polar, with glutamic acid, which is acidic and polar, at codon 447 of the PIGV protein (p.Gln447Glu). This variant is not present in population databases (gnomAD no frequency). This variant has not been reported in the literature in individuals affected with PIGV-related conditions. ClinVar contains an entry for this variant (Variation ID: 1933952). Invitae Evidence Modeling of protein sequence and biophysical properties (such as structural, functional, and spatial information, amino acid conservation, physicochemical variation, residue mobility, and thermodynamic stability) indicates that this missense variant is not expected to disrupt PIGV protein function with a negative predictive value of 95%. In summary, the available evidence is currently insufficient to determine the role of this variant in disease. Therefore, it has been classified as a Variant of Uncertain Significance.

Ambry Genetics
Classification: Uncertain significance for Inborn genetic diseases. Last evaluated: 2025-07-16. Review status: criteria provided, single submitter. Criteria: Ambry Variant Classification Scheme 2023. Collection method: clinical testing. Allele origin: germline.